The following is an entry in ClinVar:

NM_177438.3(DICER1):c.2032T>G (p.Ser678Ala)

Gene: DICER1 (dicer 1, ribonuclease III; minus strand). Cytogenetic location: 14q32.13.
Variant type: single nucleotide variant.
Coding change: c.2032T>G on transcript NM_177438.3 (MANE Select); coding-DNA position 2032, T replaced by G.
Protein change: p.Ser678Ala; replaces serine 678 with alanine.
Molecular consequence: missense variant.
Genome position (GRCh38, 1-based): chr14:95,113,100, A>C on the plus strand (T>G on the coding strand, the complement: DICER1 is on the minus strand). VCF-style: chr14-95113100-A-C. GRCh37 (hg19) VCF-style: chr14-95579437-A-C.
Other names: c.2032T>G, p.Ser678Ala (NM_001195573.1, NM_001271282.3, NM_001291628.2 and 1 more transcripts); short protein forms S678A.
Identifiers: ClinVar variation 412060 (VCV000412060.11), dbSNP rs377269341, ClinGen allele CA16614248.
Genomic context (GRCh38, chr14:95,113,100, plus strand): 5'-CCACTAATGACACATTTTAAAAGATAACAATCATTTCTTCTTCTAAACTTACAACAATGG[A>C]GGCTCGAAGAGGTGAGTTAATTGGCAGATAAAGAGTTGAATAAAATGTACCATCAGGCAA-3'
Protein context (NP_803187.1, residues 668-688): YLPINSPLRA[Ser678Ala]IVGPPMSCVR

ClinVar aggregate classification (germline): Uncertain significance. Review status: criteria provided, multiple submitters, no conflicts (2 of 4 stars). 2 submissions from 2 submitters: Uncertain significance (2). Last evaluated 2026-02-02.

Conditions:
DICER1-related tumor predisposition. Also called: DICER1-related pleuropulmonary blastoma cancer predisposition syndrome; DICER1 syndrome. Identifiers: Orphanet 284343, MedGen C3839822, MONDO:0100216.
Hereditary cancer-predisposing syndrome. Also called: Hereditary neoplastic syndrome; Neoplastic Syndromes, Hereditary; Tumor predisposition; Hereditary Cancer Syndrome. Identifiers: Orphanet 140162, MedGen C0027672, MeSH D009386, MONDO:0015356.

Allele frequency attached by ClinVar (database versions not stated): ESP Exome Variant Server 0.00008.

Submissions (2):

Labcorp Genetics (formerly Invitae), Labcorp
Classification: Uncertain significance for DICER1-related tumor predisposition. Last evaluated: 2026-02-02. Review status: criteria provided, single submitter. Criteria: Invitae Variant Classification Sherloc (09022015). Collection method: clinical testing. Allele origin: germline.
Comment: This sequence change replaces serine, which is neutral and polar, with alanine, which is neutral and non-polar, at codon 678 of the DICER1 protein (p.Ser678Ala). This variant is not present in population databases (gnomAD no frequency). This variant has not been reported in the literature in individuals affected with DICER1-related conditions. ClinVar contains an entry for this variant (Variation ID: 412060). Invitae Evidence Modeling of protein sequence and biophysical properties (such as structural, functional, and spatial information, amino acid conservation, physicochemical variation, residue mobility, and thermodynamic stability) indicates that this missense variant is not expected to disrupt DICER1 protein function with a negative predictive value of 95%. In summary, the available evidence is currently insufficient to determine the role of this variant in disease. Therefore, it has been classified as a Variant of Uncertain Significance.

Ambry Genetics
Classification: Uncertain significance for Hereditary cancer-predisposing syndrome. Last evaluated: 2023-01-19. Review status: criteria provided, single submitter. Criteria: Ambry Variant Classification Scheme 2023. Collection method: clinical testing. Allele origin: germline.
Comment: The p.S678A variant (also known as c.2032T>G), located in coding exon 11 of the DICER1 gene, results from a T to G substitution at nucleotide position 2032. The serine at codon 678 is replaced by alanine, an amino acid with similar properties. This amino acid position is conserved. In addition, this alteration is predicted to be tolerated by in silico analysis. Since supporting evidence is limited at this time, the clinical significance of this alteration remains unclear.